The following is an entry in ClinVar:

NM_005751.5(AKAP9):c.11549A>G (p.Tyr3850Cys)

Gene: AKAP9 (A-kinase anchoring protein 9; plus strand). Cytogenetic location: 7q21.2.
Variant type: single nucleotide variant.
Coding change: c.11549A>G on transcript NM_005751.5 (MANE Select); coding-DNA position 11549, A replaced by G.
Protein change: p.Tyr3850Cys; replaces tyrosine 3850 with cysteine.
Molecular consequence: missense variant.
Genome position (GRCh38, 1-based): chr7:92,108,496, A>G. VCF-style: chr7-92108496-A-G. GRCh37 (hg19) VCF-style: chr7-91737810-A-G.
Other names: c.6194A>G, p.Tyr2065Cys (NM_001379277.1); c.11525A>G, p.Tyr3842Cys (NM_147185.3); short protein forms Y3850C, Y3842C, Y2065C.
Identifiers: ClinVar variation 360856 (VCV000360856.9), dbSNP rs751615449, ClinGen allele CA4338228.

ClinVar aggregate classification (germline): Conflicting classifications of pathogenicity. Review status: criteria provided, conflicting classifications (1 of 4 stars). 3 submissions from 3 submitters: Uncertain significance (1); Likely benign (1). 1 of the submissions does not count toward it. Last evaluated 2025-10-26.

Conditions:
AKAP9-related disorder. Also called: AKAP9-related condition.
Cardiovascular phenotype. Identifiers: MedGen CN230736.
Long QT syndrome (LQTS). Identifiers: MedGen C0023976, MeSH D008133, MONDO:0002442. Disease mechanism: loss of function. Inheritance: Various modes of inheritance.

Allele frequency attached by ClinVar (database versions not stated): gnomAD 0.00001; gnomAD exomes 0.00002 and 0.00003; ExAC 0.00003.
gnomAD v4.1: 27 of 1,613,960 alleles (0.0017%); highest among the groups gnomAD compares: South Asian, 0.021%; no homozygotes.

Submissions (3):

Labcorp Genetics (formerly Invitae), Labcorp
Classification: Uncertain significance for Long QT syndrome. Last evaluated: 2025-10-26. Review status: criteria provided, single submitter. Criteria: Invitae Variant Classification Sherloc (09022015). Collection method: clinical testing. Allele origin: germline.
Comment: This sequence change replaces tyrosine, which is neutral and polar, with cysteine, which is neutral and slightly polar, at codon 3850 of the AKAP9 protein (p.Tyr3850Cys). This variant is present in population databases (rs751615449, gnomAD 0.02%). This variant has not been reported in the literature in individuals affected with AKAP9-related conditions. ClinVar contains an entry for this variant (Variation ID: 360856). An algorithm developed to predict the effect of missense changes on protein structure and function (PolyPhen-2) suggests that this variant is likely to be disruptive. In summary, the available evidence is currently insufficient to determine the role of this variant in disease. Therefore, it has been classified as a Variant of Uncertain Significance.

Ambry Genetics
Classification: Likely benign for Cardiovascular phenotype. Last evaluated: 2024-02-22. Review status: criteria provided, single submitter. Criteria: Ambry Variant Classification Scheme 2023. Collection method: clinical testing. Allele origin: germline.

PreventionGenetics, part of Exact Sciences
Classification: Uncertain significance for AKAP9-related condition. Last evaluated: 2024-09-03. Review status: no assertion criteria provided. Collection method: clinical testing. Allele origin: germline. Not counted in ClinVar's aggregate classification.
Comment: The AKAP9 c.11549A>G variant is predicted to result in the amino acid substitution p.Tyr3850Cys. To our knowledge, this variant has not been reported in the literature. This variant is reported in 0.023% of alleles in individuals of South Asian descent in gnomAD. Although we suspect that this variant may be benign, the clinical significance of this variant is classified as uncertain at this time due to insufficient functional and genetic evidence.